The following is an entry in ClinVar:

ClinVar aggregate classification (germline): Uncertain significance (1 of 4 stars; one submission).

Submission:

Labcorp Genetics (formerly Invitae), Labcorp
Classification: Uncertain significance. Last evaluated: 2025-12-17. Review status: criteria provided, single submitter. Criteria: Invitae Variant Classification Sherloc (09022015). Collection method: clinical testing. Allele origin: germline.
Comment: This sequence change falls in intron 10 of the MAPKAPK3 gene. It does not directly change the encoded amino acid sequence of the MAPKAPK3 protein. It affects a nucleotide within the consensus splice site. This variant is not present in population databases (gnomAD no frequency). This variant has not been reported in the literature in individuals affected with MAPKAPK3-related conditions. Variants that disrupt the consensus splice site are a relatively common cause of aberrant splicing (PMID: 17576681, 9536098). Algorithms developed to predict the effect of sequence changes on RNA splicing suggest that this variant is not likely to affect RNA splicing. In summary, the available evidence is currently insufficient to determine the role of this variant in disease. Therefore, it has been classified as a Variant of Uncertain Significance.

Literature cited by the submitters: PubMed 17576681; PubMed 9536098.

NM_001243925.2(MAPKAPK3):c.830-3del

Gene: MAPKAPK3 (MAPK activated protein kinase 3; plus strand). Cytogenetic location: 3p21.2.
Variant type: Deletion.
Coding change: c.830-3del on transcript NM_001243925.2 (MANE Select); 3 bases into the intron before coding-DNA position 830, one base deleted (T; older notation c.830-3delT).
Molecular consequence: intron variant.
Genome position (GRCh38, 1-based): chr3:50,646,737, T deleted. VCF-style (leftmost placement, unchanged base first): chr3-50646736-CT-C. GRCh37 (hg19) VCF-style: chr3-50684167-CT-C.
Other names: c.830-3del (NM_001243926.2, NM_004635.5).
Identifiers: ClinVar variation 4733461 (VCV004733461.1).